The following is an entry in ClinVar:

NM_001429.4(EP300):c.2870C>T (p.Thr957Ile)

Genes: EP300 (EP300 lysine acetyltransferase; plus strand), LOC126863158 (BRD4-independent group 4 enhancer GRCh37_chr22:41547383-41548582; plus strand). Cytogenetic location: 22q13.2.
Variant type: single nucleotide variant.
Coding change: c.2870C>T on transcript NM_001429.4 (MANE Select); coding-DNA position 2870, C replaced by T.
Protein change: p.Thr957Ile; replaces threonine 957 with isoleucine.
Molecular consequence: missense variant.
Genome position (GRCh38, 1-based): chr22:41,151,885, C>T. VCF-style: chr22-41151885-C-T. GRCh37 (hg19) VCF-style: chr22-41547889-C-T.
Other names: c.2792C>T, p.Thr931Ile (NM_001362843.2); short protein forms T931I, T957I.
Identifiers: ClinVar variation 4998993 (VCV004998993.1).

ClinVar aggregate classification (germline): Uncertain significance (1 of 4 stars; one submission).

Conditions:
EP300-related disorder. Also called: EP300-related condition; EP300-related disorders.

Submission:

PreventionGenetics, part of Exact Sciences
Classification: Uncertain significance for EP300-related condition. Last evaluated: 2024-12-03. Review status: criteria provided, single submitter. Criteria: ACMG Guidelines, 2015. Collection method: clinical testing. Allele origin: germline.
Comment: The EP300 c.2870C>T variant is predicted to result in the amino acid substitution p.Thr957Ile. To our knowledge, this variant has not been reported in the literature or in a large population database (gnomAD), indicating this variant is rare. At this time, the clinical significance of this variant is uncertain due to the absence of conclusive functional and genetic evidence.